The following is an entry in ClinVar:

ClinVar aggregate classification (germline): Likely benign (0 of 4 stars; one submission).

Conditions:
CLCN1-related disorder. Also called: CLCN1-related condition.

gnomAD v4.1: 2 of 1,556,850 alleles (0.00013%); highest among the groups gnomAD compares: Non-Finnish European, 0.00017%; no homozygotes.

Submission:

PreventionGenetics, part of Exact Sciences
Classification: Likely benign for CLCN1-related condition. Last evaluated: 2020-09-21. Review status: no assertion criteria provided. Collection method: clinical testing. Allele origin: germline.
Comment: This variant is classified as likely benign based on ACMG/AMP sequence variant interpretation guidelines (Richards et al. 2015 PMID: 25741868, with internal and published modifications).

NM_000083.3(CLCN1):c.2100G>A (p.Ala700=)

Genes: CLCN1 (chloride voltage-gated channel 1; plus strand), LOC123956257 (Sharpr-MPRA regulatory region 4117; plus strand). Cytogenetic location: 7q34.
Variant type: single nucleotide variant.
Coding change: c.2100G>A on transcript NM_000083.3 (MANE Select); coding-DNA position 2100, G replaced by A.
Protein change: p.Ala700=; no amino-acid change (alanine 700 retained).
Molecular consequence: synonymous variant. On other transcripts: non-coding transcript variant (1).
Genome position (GRCh38, 1-based): chr7:143,345,690, G>A. VCF-style: chr7-143345690-G-A. GRCh37 (hg19) VCF-style: chr7-143042783-G-A.
Identifiers: ClinVar variation 3032324 (VCV003032324.2), dbSNP rs747257219, ClinGen allele CA168226649.